The following is an entry in ClinVar:

ClinVar aggregate classification (germline): Benign. Review status: criteria provided, single submitter (1 of 4 stars). 2 submissions from 2 submitters: Benign (1). 1 of the submissions does not count toward it. Last evaluated 2019-12-31.

Conditions:
REV3L-related disorder. Also called: REV3L-related condition.

Allele frequency attached by ClinVar (database versions not stated): gnomAD exomes 0.00090 and 0.00236; ExAC 0.00282; gnomAD 0.00723 and 0.00770; ESP Exome Variant Server 0.00739; 1000 Genomes Project 0.00759; TOPMed 0.00813; 1000 Genomes Project 30x 0.00890.
gnomAD v4.1: 2,478 of 1,613,806 alleles (0.15%); highest among the groups gnomAD compares: African/African-American, 2.4%; 18 homozygotes.

Submissions (2):

Labcorp Genetics (formerly Invitae), Labcorp
Classification: Benign. Last evaluated: 2019-12-31. Review status: criteria provided, single submitter. Criteria: Invitae Variant Classification Sherloc (09022015). Collection method: clinical testing. Allele origin: germline.

PreventionGenetics, part of Exact Sciences
Classification: Benign for REV3L-related condition. Last evaluated: 2019-03-07. Review status: no assertion criteria provided. Collection method: clinical testing. Allele origin: germline. Not counted in ClinVar's aggregate classification.
Comment: This variant is classified as benign based on ACMG/AMP sequence variant interpretation guidelines (Richards et al. 2015 PMID: 25741868, with internal and published modifications).

NM_001372078.1(REV3L):c.1897A>G (p.Ser633Gly)

Gene: REV3L (REV3 like, DNA directed polymerase zeta catalytic subunit; minus strand). Cytogenetic location: 6q21.
Variant type: single nucleotide variant.
Coding change: c.1897A>G on transcript NM_001372078.1 (MANE Select); coding-DNA position 1897, A replaced by G.
Protein change: p.Ser633Gly; replaces serine 633 with glycine.
Molecular consequence: missense variant.
Genome position (GRCh38, 1-based): chr6:111,376,458, T>C on the plus strand (A>G on the coding strand, the complement: REV3L is on the minus strand). VCF-style: chr6-111376458-T-C. GRCh37 (hg19) VCF-style: chr6-111697661-T-C.
Other names: c.1663A>G, p.Ser555Gly (NM_001286431.2, NM_001286432.2); c.1897A>G, p.Ser633Gly (NM_002912.5); short protein forms S633G, S555G.
Identifiers: ClinVar variation 769319 (VCV000769319.6), dbSNP rs3218598, ClinGen allele CA3962439.